The following is an entry in ClinVar:

ClinVar aggregate classification (germline): Pathogenic (1 of 4 stars; one submission).

Conditions:
Hereditary hemorrhagic telangiectasia (HHT). Also called: Osler hemorrhagic telangiectasia syndrome; ORW DISEASE; Osler Weber Rendu syndrome; OSLER-RENDU-WEBER DISEASE. Identifiers: Orphanet 774, MedGen C0039445, MONDO:0019180. Disease mechanism: loss of function.

Submission:

Labcorp Genetics (formerly Invitae), Labcorp
Classification: Pathogenic for Hereditary hemorrhagic telangiectasia. Last evaluated: 2020-03-31. Review status: criteria provided, single submitter. Criteria: Invitae Variant Classification Sherloc (09022015). Collection method: clinical testing. Allele origin: germline.
Comment: This variant is a gross deletion of the genomic region encompassing exon(s) 11-14 of the ENG gene. The 5' boundary is likely confined to intron 10. The 3' end of this event is unknown as it extends through the termination codon beyond the assayed region for this gene and may encompass additional genes. While this deletion is not anticipated to result in nonsense mediated decay, it is expected to create a truncated protein product or disrupt mRNA translation. This variant has been observed in individual(s) with clinical features of hereditary hemorrhagic telangiectasia (Invitae). This variant disrupts the C-terminus of the ENG protein. Other variant(s) that disrupt this region (p.Leu572*) have been determined to be pathogenic (PMID: 11440987, Invitae). This suggests that variants that disrupt this region of the protein are likely to be causative of disease. For these reasons, this variant has been classified as Pathogenic.

Literature cited by the submitters: PubMed 11440987.

NC_000009.11:g.(?_130577951)_(130581121_?)del

Gene: ENG (endoglin; minus strand). Cytogenetic location: 9q34.11.
Variant type: Deletion.
Identifiers: ClinVar variation 1076879 (VCV001076879.1).